The following is an entry in ClinVar:

ClinVar aggregate classification (germline): Conflicting classifications of pathogenicity. Review status: criteria provided, conflicting classifications (1 of 4 stars). 2 submissions from 2 submitters: Uncertain significance (1); Likely benign (1). Last evaluated 2025-12-08.

Conditions:
Tuberous sclerosis 2 (TSC2). Identifiers: Orphanet 805, MedGen C1860707, MONDO:0013199, OMIM 613254.
Hereditary cancer-predisposing syndrome. Also called: Hereditary Cancer Syndrome; Tumor predisposition; Neoplastic Syndromes, Hereditary; Hereditary neoplastic syndrome. Identifiers: Orphanet 140162, MedGen C0027672, MeSH D009386, MONDO:0015356.

Allele frequency attached by ClinVar (database versions not stated): gnomAD exomes below 0.00001.
gnomAD v4.1: 1 of 1,612,784 alleles (0.000062%); highest among the groups gnomAD compares: Non-Finnish European, 0.000085%; no homozygotes.

Submissions (2):

Labcorp Genetics (formerly Invitae), Labcorp
Classification: Likely benign for Tuberous sclerosis 2. Last evaluated: 2025-12-08. Review status: criteria provided, single submitter. Criteria: Invitae Variant Classification Sherloc (09022015). Collection method: clinical testing. Allele origin: germline.

Ambry Genetics
Classification: Uncertain significance for Hereditary cancer-predisposing syndrome. Last evaluated: 2023-05-17. Review status: criteria provided, single submitter. Criteria: Ambry Variant Classification Scheme 2023. Collection method: clinical testing. Allele origin: germline.
Comment: The c.4596G>A variant (also known as p.Q1532Q), located in coding exon 35 of the TSC2 gene, results from a G to A substitution at nucleotide position 4596. This nucleotide substitution does not change the glutamine at codon 1532. This nucleotide position is well conserved in available vertebrate species. In silico splice site analysis for this alteration is inconclusive. Since supporting evidence is limited at this time, the clinical significance of this alteration remains unclear.

NM_000548.5(TSC2):c.4596G>A (p.Gln1532=)

Gene: TSC2 (TSC complex subunit 2; plus strand). Cytogenetic location: 16p13.3.
Variant type: single nucleotide variant.
Coding change: c.4596G>A on transcript NM_000548.5 (MANE Select); coding-DNA position 4596, G replaced by A.
Protein change: p.Gln1532=; no amino-acid change (glutamine 1532 retained).
Molecular consequence: synonymous variant. On other transcripts: non-coding transcript variant (5).
Genome position (GRCh38, 1-based): chr16:2,085,256, G>A. VCF-style: chr16-2085256-G-A. GRCh37 (hg19) VCF-style: chr16-2135257-G-A.
Other names: c.4395G>A, p.Gln1465= (NM_001077183.3); c.4527G>A, p.Gln1509= (NM_001114382.3); c.4287G>A, p.Gln1429= (NM_001318827.2); c.4251G>A, p.Gln1417= (NM_001318829.2); c.3864G>A, p.Gln1288= (NM_001318831.2); c.4428G>A, p.Gln1476= (NM_001318832.2); c.4398G>A, p.Gln1466= (NM_001363528.2); c.4464G>A, p.Gln1488= (NM_001370404.1); and 26 more.
Identifiers: ClinVar variation 2045146 (VCV002045146.6), dbSNP rs2151551059, ClinGen allele CA492958020.